The following is an entry in ClinVar:

NM_015047.3(EMC1):c.1583A>G (p.Asp528Gly)

Genes: EMC1 (ER membrane protein complex subunit 1; minus strand), EMC1-AS1 (EMC1 antisense RNA 1; plus strand). Cytogenetic location: 1p36.13.
Variant type: single nucleotide variant.
Coding change: c.1583A>G on transcript NM_015047.3 (MANE Select); coding-DNA position 1583, A replaced by G.
Protein change: p.Asp528Gly; replaces aspartic acid 528 with glycine.
Molecular consequence: missense variant.
Genome position (GRCh38, 1-based): chr1:19,232,985, T>C on the plus strand (A>G on the coding strand, the complement: EMC1 is on the minus strand). VCF-style: chr1-19232985-T-C. GRCh37 (hg19) VCF-style: chr1-19559479-T-C.
Other names: c.1580A>G, p.Asp527Gly (NM_001271427.2, NM_001271428.2); c.1517A>G, p.Asp506Gly (NM_001271429.2); c.1592A>G, p.Asp531Gly (NM_001375820.1); c.1589A>G, p.Asp530Gly (NM_001375821.1); short protein forms D527G, D528G, D530G, D531G, D506G.
Identifiers: ClinVar variation 2715551 (VCV002715551.3), dbSNP rs375579318, ClinGen allele CA652551.

ClinVar aggregate classification (germline): Uncertain significance (1 of 4 stars; one submission).

Allele frequency attached by ClinVar (database versions not stated): gnomAD exomes below 0.00001; ExAC 0.00001; TOPMed 0.00001; ESP Exome Variant Server 0.00008.
gnomAD v4.1: 3 of 1,614,220 alleles (0.00019%); highest among the groups gnomAD compares: Non-Finnish European, 0.00025%; no homozygotes.

Submission:

Labcorp Genetics (formerly Invitae), Labcorp
Classification: Uncertain significance. Last evaluated: 2023-12-12. Review status: criteria provided, single submitter. Criteria: Invitae Variant Classification Sherloc (09022015). Collection method: clinical testing. Allele origin: germline.
Comment: This sequence change replaces aspartic acid, which is acidic and polar, with glycine, which is neutral and non-polar, at codon 528 of the EMC1 protein (p.Asp528Gly). This variant is present in population databases (rs375579318, gnomAD 0.0009%). This variant has not been reported in the literature in individuals affected with EMC1-related conditions. Advanced modeling of protein sequence and biophysical properties (such as structural, functional, and spatial information, amino acid conservation, physicochemical variation, residue mobility, and thermodynamic stability) performed at Invitae indicates that this missense variant is expected to disrupt EMC1 protein function with a positive predictive value of 80%. In summary, the available evidence is currently insufficient to determine the role of this variant in disease. Therefore, it has been classified as a Variant of Uncertain Significance.